The following is an entry in ClinVar:

NM_198488.5(SACK1H):c.885C>T (p.Asp295=)

Gene: SACK1H (scaffolding CK1 anchoring protein H; minus strand). Cytogenetic location: 8q24.3.
Variant type: single nucleotide variant.
Coding change: c.885C>T on transcript NM_198488.5 (MANE Select); coding-DNA position 885, C replaced by T.
Protein change: p.Asp295=; no amino-acid change (aspartic acid 295 retained).
Molecular consequence: synonymous variant.
Genome position (GRCh38, 1-based): chr8:143,728,576, G>A on the plus strand (C>T on the coding strand, the complement: SACK1H is on the minus strand). VCF-style: chr8-143728576-G-A. GRCh37 (hg19) VCF-style: chr8-144810746-G-A.
Identifiers: ClinVar variation 3040856 (VCV003040856.3), dbSNP rs781816023, ClinGen allele CA4917563.

ClinVar aggregate classification (germline): Likely benign. Review status: criteria provided, single submitter (1 of 4 stars). 2 submissions from 2 submitters: Likely benign (1). 1 of the submissions does not count toward it. Last evaluated 2023-04-11.

Conditions:
FAM83H-related disorder. Also called: FAM83H-related condition.

Allele frequency attached by ClinVar (database versions not stated): TOPMed 0.00007; gnomAD 0.00009; gnomAD exomes 0.00011; ExAC 0.00012.
gnomAD v4.1: 170 of 1,598,592 alleles (0.011%); highest among the groups gnomAD compares: African/African-American, 0.013%; no homozygotes.

Submissions (2):

Blueprint Genetics
Classification: Likely benign. Last evaluated: 2023-04-11. Review status: criteria provided, single submitter. Criteria: ACMG Guidelines, 2015. Collection method: clinical testing. Allele origin: germline.

PreventionGenetics, part of Exact Sciences
Classification: Likely benign for FAM83H-related condition. Last evaluated: 2019-09-20. Review status: no assertion criteria provided. Collection method: clinical testing. Allele origin: germline. Not counted in ClinVar's aggregate classification.
Comment: This variant is classified as likely benign based on ACMG/AMP sequence variant interpretation guidelines (Richards et al. 2015 PMID: 25741868, with internal and published modifications).